The following is an entry in ClinVar:

NM_182760.4(SUMF1):c.-17_4del (p.Met1_Ala2del)

Gene: SUMF1 (sulfatase modifying factor 1; minus strand). Cytogenetic location: 3p26.1.
Variant type: Deletion.
Coding change: c.-17_4del on transcript NM_182760.4 (MANE Select); 17 bases upstream of the start codon through coding-DNA position 4, 21 bases deleted (ATGGCCCGCGGGACAACATGG).
Protein change: p.Met1_Ala2del.
Molecular consequence: inframe deletion, initiator codon variant.
Genome position (GRCh38, 1-based): chr3:4,467,242-4,467,262, CCATGTTGTCCCGCGGGCCAT deleted on the plus strand (ATGGCCCGCGGGACAACATGG on the coding strand, the reverse complement: SUMF1 is on the minus strand). VCF-style (leftmost placement, unchanged base first): chr3-4467241-GCCATGTTGTCCCGCGGGCCAT-G. GRCh37 (hg19) VCF-style: chr3-4508925-GCCATGTTGTCCCGCGGGCCAT-G.
Other names: c.-17_4del, p.Met1_Ala2del (NM_001164674.2, NM_001164675.2).
Identifiers: ClinVar variation 2743228 (VCV002743228.3), dbSNP rs2470082445, ClinGen allele CA2697550640.

ClinVar aggregate classification (germline): Pathogenic (1 of 4 stars; one submission).

Conditions:
Multiple sulfatase deficiency (MSD). Also called: Mucosulfatidosis; Multiple Sulfatase Deficiency Disease; Sulfatidosis, Juvenile, Austin Type. Identifiers: Orphanet 585, MedGen C0268263, MONDO:0010088, OMIM 272200.

Submission:

Labcorp Genetics (formerly Invitae), Labcorp
Classification: Pathogenic for Multiple sulfatase deficiency. Last evaluated: 2023-07-14. Review status: criteria provided, single submitter. Criteria: Invitae Variant Classification Sherloc (09022015). Collection method: clinical testing. Allele origin: germline.
Comment: For these reasons, this variant has been classified as Pathogenic. This variant disrupts a region of the SUMF1 protein in which other variant(s) (p.Leu20Phe) have been observed in individuals with SUMF1-related conditions (PMID: 15146462). This suggests that this is a clinically significant region of the protein, and that variants that disrupt it are likely to be disease-causing. Disruption of the initiator codon has been observed in individual(s) with multiple sulfatase deficiency (PMID: 15146462). This variant is not present in population databases (gnomAD no frequency). This sequence change affects the initiator methionine of the SUMF1 mRNA. The next in-frame methionine is located at codon 91.

Literature cited by the submitters: PubMed 15146462.